The following is an entry in ClinVar:

ClinVar aggregate classification (germline): Uncertain significance (1 of 4 stars; one submission).

Conditions:
Nemaline myopathy 2 (NEM2). Also called: Nemaline myopathy 2, autosomal recessive. Identifiers: MedGen C1850569, MONDO:0009725, OMIM 256030.

Allele frequency attached by ClinVar (database versions not stated): gnomAD exomes below 0.00001 and 0.00001.
gnomAD v4.1: 1 of 1,577,502 alleles (0.000063%); highest among the groups gnomAD compares: Admixed American, 0.0018%; no homozygotes.

Submission:

Labcorp Genetics (formerly Invitae), Labcorp
Classification: Uncertain significance for Nemaline myopathy 2. Last evaluated: 2022-08-16. Review status: criteria provided, single submitter. Criteria: Invitae Variant Classification Sherloc (09022015). Collection method: clinical testing. Allele origin: germline.
Comment: This sequence change replaces leucine, which is neutral and non-polar, with phenylalanine, which is neutral and non-polar, at codon 2479 of the NEB protein (p.Leu2479Phe). This variant is present in population databases (no rsID available, gnomAD 0.004%). This variant has not been reported in the literature in individuals affected with NEB-related conditions. ClinVar contains an entry for this variant (Variation ID: 1511882). Algorithms developed to predict the effect of missense changes on protein structure and function are either unavailable or do not agree on the potential impact of this missense change (SIFT: "Deleterious"; PolyPhen-2: "Not Available"; Align-GVGD: "Class C0"). In summary, the available evidence is currently insufficient to determine the role of this variant in disease. Therefore, it has been classified as a Variant of Uncertain Significance.

NM_001164508.2(NEB):c.7435C>T (p.Leu2479Phe)

Gene: NEB (nebulin; minus strand). Cytogenetic location: 2q23.3.
Variant type: single nucleotide variant.
Coding change: c.7435C>T on transcript NM_001164508.2 (MANE Select); coding-DNA position 7435, C replaced by T.
Protein change: p.Leu2479Phe; replaces leucine 2479 with phenylalanine.
Molecular consequence: missense variant.
Genome position (GRCh38, 1-based): chr2:151,646,231, G>A on the plus strand (C>T on the coding strand, the complement: NEB is on the minus strand). VCF-style: chr2-151646231-G-A. GRCh37 (hg19) VCF-style: chr2-152502745-G-A.
Other names: c.7435C>T, p.Leu2479Phe (NM_001164507.2, NM_001271208.2, NM_004543.5); short protein forms L2479F.
Identifiers: ClinVar variation 1511882 (VCV001511882.5), dbSNP rs1426898110, ClinGen allele CA348785504.